The following is an entry in ClinVar:

NM_001130823.3(DNMT1):c.3042G>C (p.Glu1014Asp)

Gene: DNMT1 (DNA methyltransferase 1; minus strand). Cytogenetic location: 19p13.2.
Variant type: single nucleotide variant.
Coding change: c.3042G>C on transcript NM_001130823.3 (MANE Select); coding-DNA position 3042, G replaced by C.
Protein change: p.Glu1014Asp; replaces glutamic acid 1014 with aspartic acid.
Molecular consequence: missense variant.
Genome position (GRCh38, 1-based): chr19:10,143,840, C>G on the plus strand (G>C on the coding strand, the complement: DNMT1 is on the minus strand). VCF-style: chr19-10143840-C-G. GRCh37 (hg19) VCF-style: chr19-10254516-C-G.
Other names: c.2994G>C, p.Glu998Asp (NM_001318730.2, NM_001379.4); c.2679G>C, p.Glu893Asp (NM_001318731.2); short protein forms E1014D, E998D, E893D.
Identifiers: ClinVar variation 931368 (VCV000931368.3), dbSNP rs745780816, ClinGen allele CA403975747.

ClinVar aggregate classification (germline): Uncertain significance (1 of 4 stars; one submission).

Conditions:
Autosomal dominant cerebellar ataxia, deafness and narcolepsy. Also called: Autosomal Dominant Cerebellar Ataxia, Deafness, and Narcolepsy (ADCA-DN). Identifiers: Orphanet 314404, MedGen C4302668, MONDO:0011397, OMIM 604121.

Submission:

Centre for Mendelian Genomics, University Medical Centre Ljubljana
Classification: Uncertain significance for Autosomal dominant cerebellar ataxia, deafness and narcolepsy. Last evaluated: 2019-11-21. Review status: criteria provided, single submitter. Criteria: ACMG Guidelines, 2015. Collection method: clinical testing. Allele origin: unknown. Affected: yes.
Comment: This variant was classified as: Uncertain significance. The available evidence on this variant's pathogenicity is insufficient or conflicting. The following ACMG criteria were applied in classifying this variant: PM2,PP3.